The following is an entry in ClinVar:

ClinVar aggregate classification (germline): Pathogenic (1 of 4 stars; one submission).

Submission:

Labcorp Genetics (formerly Invitae), Labcorp
Classification: Pathogenic. Last evaluated: 2024-02-24. Review status: criteria provided, single submitter. Criteria: Invitae Variant Classification Sherloc (09022015). Collection method: clinical testing. Allele origin: germline.
Comment: This sequence change affects a donor splice site in intron 4 of the SLC19A2 gene. It is expected to disrupt RNA splicing. Variants that disrupt the donor or acceptor splice site typically lead to a loss of protein function (PMID: 16199547), and loss-of-function variants in SLC19A2 are known to be pathogenic (PMID: 10391221, 10391223, 10874303). This variant is not present in population databases (gnomAD no frequency). Disruption of this splice site has been observed in individual(s) with thiamine-responsive megaloblastic anemia syndrome (PMID: 19643445). Algorithms developed to predict the effect of sequence changes on RNA splicing suggest that this variant may disrupt the consensus splice site. For these reasons, this variant has been classified as Pathogenic.

Literature cited by the submitters: PubMed 16199547; PubMed 10391221; PubMed 10391223; PubMed 10874303; PubMed 19643445.

NM_006996.3(SLC19A2):c.1223+1G>T

Gene: SLC19A2 (solute carrier family 19 member 2; minus strand). Cytogenetic location: 1q24.2.
Variant type: single nucleotide variant.
Coding change: c.1223+1G>T on transcript NM_006996.3 (MANE Select); the canonical splice donor site of the intron after coding-DNA position 1223, G replaced by T.
Molecular consequence: splice donor variant.
Genome position (GRCh38, 1-based): chr1:169,468,643, C>A on the plus strand (G>T on the coding strand, the complement: SLC19A2 is on the minus strand). VCF-style: chr1-169468643-C-A. GRCh37 (hg19) VCF-style: chr1-169437881-C-A.
Other names: c.620+1G>T (NM_001319667.1).
Identifiers: ClinVar variation 3643123 (VCV003643123.2).